The following is an entry in ClinVar:

ClinVar aggregate classification (germline): Pathogenic/Likely pathogenic. Review status: criteria provided, multiple submitters, no conflicts (2 of 4 stars). 4 submissions from 4 submitters: Pathogenic (2); Likely pathogenic (2). Last evaluated 2026-01-20.

Conditions:
Bruck syndrome 2 (BRKS2). Also called: OSTEOGENESIS IMPERFECTA WITH CONGENITAL JOINT CONTRACTURES. Identifiers: Orphanet 2771, MedGen C1836602, MONDO:0012217, OMIM 609220.

gnomAD v4.1: 35 of 1,609,582 alleles (0.0022%); highest among the groups gnomAD compares: Middle Eastern, 0.016%; no homozygotes.

Submissions (4):

Labcorp Genetics (formerly Invitae), Labcorp
Classification: Pathogenic. Last evaluated: 2026-01-20. Review status: criteria provided, single submitter. Criteria: Invitae Variant Classification Sherloc (09022015). Collection method: clinical testing. Allele origin: germline.
Comment: This sequence change creates a premature translational stop signal (p.Arg440*) in the PLOD2 gene. It is expected to result in an absent or disrupted protein product. Loss-of-function variants in PLOD2 are known to be pathogenic (PMID: 22689593, 25238597, 29178448). This variant is present in population databases (rs778254905, gnomAD 0.005%). This premature translational stop signal has been observed in individual(s) with Bruck Syndrome (PMID: 33778323). ClinVar contains an entry for this variant (Variation ID: 2574996). For these reasons, this variant has been classified as Pathogenic.

Dasa
Classification: Pathogenic. Last evaluated: 2024-12-05. Review status: criteria provided, single submitter. Criteria: DASA Assertion Criteria. Collection method: clinical testing. Allele origin: germline.
Comment: NM_182943.3(PLOD2):c.1318C>T (p.Arg440*) introduces a premature termination codon predicted to result in loss of normal protein function. Loss-of-function is an established mechanism of disease for this gene. This variant has been observed in affected individuals with related phenotype in a genotype context consistent with recessive disease. The variant is present at low frequency in population datasets. Based on the available data, this variant is classified as pathogenic.

Fulgent Genetics
Classification: Likely pathogenic for Bruck syndrome 2. Last evaluated: 2024-03-13. Review status: criteria provided, single submitter. Criteria: ACMG Guidelines, 2015. Collection method: clinical testing. Allele origin: germline.

GeneDx
Classification: Likely pathogenic. Last evaluated: 2023-10-06. Review status: criteria provided, single submitter. Criteria: GeneDx Variant Classification Process June 2021. Collection method: clinical testing. Allele origin: germline. Affected: yes.
Comment: Nonsense variant predicted to result in protein truncation or nonsense mediated decay in a gene for which loss of function is a known mechanism of disease; This variant is associated with the following publications: (PMID: 33778323)

Literature cited by the submitters: PubMed 22689593 (cited by Labcorp Genetics (formerly Invitae), Labcorp); PubMed 25238597 (cited by Labcorp Genetics (formerly Invitae), Labcorp); PubMed 29178448 (cited by Labcorp Genetics (formerly Invitae), Labcorp); PubMed 33778323 (cited by Labcorp Genetics (formerly Invitae), Labcorp).

NM_182943.3(PLOD2):c.1318C>T (p.Arg440Ter)

Gene: PLOD2 (procollagen-lysine,2-oxoglutarate 5-dioxygenase 2; minus strand). Cytogenetic location: 3q24.
Variant type: single nucleotide variant.
Coding change: c.1318C>T on transcript NM_182943.3 (MANE Select); coding-DNA position 1318, C replaced by T.
Protein change: p.Arg440Ter; replaces arginine 440 with a stop codon.
Molecular consequence: nonsense.
Genome position (GRCh38, 1-based): chr3:146,081,778, G>A on the plus strand (C>T on the coding strand, the complement: PLOD2 is on the minus strand). VCF-style: chr3-146081778-G-A. GRCh37 (hg19) VCF-style: chr3-145799565-G-A.
Other names: c.1318C>T, p.Arg440Ter (NM_000935.3); short protein forms R440*.
Identifiers: ClinVar variation 2574996 (VCV002574996.6), dbSNP rs778254905, ClinGen allele CA2654932.
Genomic context (GRCh38, chr3:146,081,778, plus strand): 5'-TATTAAACCAAGTAACTTACACTCTATTCCCTTGAACAATATCCACATAATCTTCAGATC[G>A]TGCATAGTATCCATCAGGACTCAATGCTCCCCAGAAATTGGACCACAGCTTTCCATGACG-3'